The following is an entry in ClinVar:

NM_000016.6(ACADM):c.945+9A>G

Gene: ACADM (acyl-CoA dehydrogenase medium chain; plus strand). Cytogenetic location: 1p31.1.
Variant type: single nucleotide variant.
Coding change: c.945+9A>G on transcript NM_000016.6 (MANE Select); 9 bases into the intron after coding-DNA position 945, A replaced by G.
Molecular consequence: intron variant.
Genome position (GRCh38, 1-based): chr1:75,750,555, A>G. VCF-style: chr1-75750555-A-G. GRCh37 (hg19) VCF-style: chr1-76216240-A-G.
Other names: p.?; c.957+9A>G (NM_001127328.3); c.1044+9A>G (NM_001286043.2); c.837+9A>G (NM_001286042.2); c.378+9A>G (NM_001286044.2).
Identifiers: ClinVar variation 732069 (VCV000732069.13), dbSNP rs768654898, ClinGen allele CA913243.

ClinVar aggregate classification (germline): Likely benign. Review status: criteria provided, multiple submitters, no conflicts (2 of 4 stars). 4 submissions from 4 submitters: Likely benign (4). Last evaluated 2025-12-03.

Conditions:
Medium-chain acyl-coenzyme A dehydrogenase deficiency (ACADMD). Also called: MCADH DEFICIENCY; MCAD Deficiency; CARNITINE DEFICIENCY SECONDARY TO MEDIUM-CHAIN ACYL-CoA DEHYDROGENASE DEFICIENCY; MCADD; Medium chain acyl-CoA dehydrogenase deficiency; ACADM DEFICIENCY. Identifiers: Orphanet 42, MedGen C0220710, MONDO:0008721, OMIM 201450.

Allele frequency attached by ClinVar (database versions not stated): ExAC 0.00002; gnomAD 0.00005 and 0.00006; TOPMed 0.00005.
gnomAD v4.1: 26 of 1,562,034 alleles (0.0017%); highest among the groups gnomAD compares: Admixed American, 0.018%; no homozygotes.

Submissions (4):

Mayo Clinic Laboratories, Mayo Clinic
Classification: Likely benign. Last evaluated: 2025-12-03. Review status: criteria provided, single submitter. Criteria: ACMG Guidelines, 2015. Collection method: clinical testing. Allele origin: germline. Observed: 1 variant allele.
Comment: BP4, BP7

Labcorp Genetics (formerly Invitae), Labcorp
Classification: Likely benign for Medium-chain acyl-coenzyme A dehydrogenase deficiency. Last evaluated: 2025-10-26. Review status: criteria provided, single submitter. Criteria: Invitae Variant Classification Sherloc (09022015). Collection method: clinical testing. Allele origin: germline.

Women's Health and Genetics/Laboratory Corporation of America, LabCorp
Classification: Likely benign. Last evaluated: 2025-05-14. Review status: criteria provided, single submitter. Criteria: LabCorp Variant Classification Summary - May 2015. Collection method: clinical testing. Allele origin: germline.

Blueprint Genetics
Classification: Likely benign. Last evaluated: 2024-10-30. Review status: criteria provided, single submitter. Criteria: ACMG Guidelines, 2015. Collection method: clinical testing. Allele origin: germline.